The following is an entry in ClinVar:

NM_015557.3(CHD5):c.2172C>T (p.Ala724=)

Gene: CHD5 (chromodomain helicase DNA binding protein 5; minus strand). Cytogenetic location: 1p36.31.
Variant type: single nucleotide variant.
Coding change: c.2172C>T on transcript NM_015557.3 (MANE Select); coding-DNA position 2172, C replaced by T.
Protein change: p.Ala724=; no amino-acid change (alanine 724 retained).
Molecular consequence: synonymous variant.
Genome position (GRCh38, 1-based): chr1:6,142,477, G>A on the plus strand (C>T on the coding strand, the complement: CHD5 is on the minus strand). VCF-style: chr1-6142477-G-A. GRCh37 (hg19) VCF-style: chr1-6202537-G-A.
Identifiers: ClinVar variation 4978852 (VCV004978852.1).

ClinVar aggregate classification (germline): Likely benign (1 of 4 stars; one submission).

Conditions:
CHD5-related disorder. Also called: CHD5-related condition.

gnomAD v4.1: 52 of 1,614,040 alleles (0.0032%); highest among the groups gnomAD compares: Admixed American, 0.017%; no homozygotes.

Submission:

PreventionGenetics, part of Exact Sciences
Classification: Likely benign for CHD5-related condition. Last evaluated: 2025-06-04. Review status: criteria provided, single submitter. Criteria: ACMG Guidelines, 2015. Collection method: clinical testing. Allele origin: germline.
Comment: This variant is classified as likely benign based on ACMG/AMP sequence variant interpretation guidelines (Richards et al. 2015 PMID: 25741868, with internal and published modifications).